The following is an entry in ClinVar:

ClinVar aggregate classification (germline): Uncertain significance (1 of 4 stars; one submission).

Conditions:
Charcot-Marie-Tooth disease axonal type 2L. Also called: CHARCOT-MARIE-TOOTH DISEASE, AXONAL, AUTOSOMAL DOMINANT, TYPE 2L; CHARCOT-MARIE-TOOTH NEUROPATHY, AXONAL, TYPE 2L; Charcot-Marie-Tooth Neuropathy Type 2L. Identifiers: Orphanet 99945, MedGen C1837552, MONDO:0012096, OMIM 608673.

Allele frequency attached by ClinVar (database versions not stated): gnomAD exomes below 0.00001.

Submission:

Labcorp Genetics (formerly Invitae), Labcorp
Classification: Uncertain significance for Charcot-Marie-Tooth disease axonal type 2L. Last evaluated: 2020-12-22. Review status: criteria provided, single submitter. Criteria: Invitae Variant Classification Sherloc (09022015). Collection method: clinical testing. Allele origin: germline.
Comment: In summary, the available evidence is currently insufficient to determine the role of this variant in disease. Therefore, it has been classified as a Variant of Uncertain Significance. Algorithms developed to predict the effect of missense changes on protein structure and function are either unavailable or do not agree on the potential impact of this missense change (SIFT: "Tolerated"; PolyPhen-2: "Possibly Damaging"; Align-GVGD: "Class C0"). This variant has not been reported in the literature in individuals with HSPB8-related conditions. This variant is not present in population databases (ExAC no frequency). This sequence change replaces glycine with aspartic acid at codon 4 of the HSPB8 protein (p.Gly4Asp). The glycine residue is moderately conserved and there is a moderate physicochemical difference between glycine and aspartic acid.

NM_014365.3(HSPB8):c.11G>A (p.Gly4Asp)

Gene: HSPB8 (heat shock protein family B (small) member 8; plus strand). Cytogenetic location: 12q24.23.
Variant type: single nucleotide variant.
Coding change: c.11G>A on transcript NM_014365.3 (MANE Select); coding-DNA position 11, G replaced by A.
Protein change: p.Gly4Asp; replaces glycine 4 with aspartic acid.
Molecular consequence: missense variant.
Genome position (GRCh38, 1-based): chr12:119,179,323, G>A. VCF-style: chr12-119179323-G-A. GRCh37 (hg19) VCF-style: chr12-119617128-G-A.
Other names: short protein forms G4D.
Identifiers: ClinVar variation 1398834 (VCV001398834.8), dbSNP rs1172676336, ClinGen allele CA386523706.